The following is an entry in ClinVar:

ClinVar aggregate classification (germline): Uncertain significance (1 of 4 stars; one submission).

Submission:

Labcorp Genetics (formerly Invitae), Labcorp
Classification: Uncertain significance. Last evaluated: 2023-03-02. Review status: criteria provided, single submitter. Criteria: Invitae Variant Classification Sherloc (09022015). Collection method: clinical testing. Allele origin: germline.
Comment: This sequence change replaces valine, which is neutral and non-polar, with phenylalanine, which is neutral and non-polar, at codon 299 of the DNAH9 protein (p.Val299Phe). This variant is not present in population databases (gnomAD no frequency). This variant has not been reported in the literature in individuals affected with DNAH9-related conditions. An algorithm developed to predict the effect of missense changes on protein structure and function (PolyPhen-2) suggests that this variant is likely to be disruptive. In summary, the available evidence is currently insufficient to determine the role of this variant in disease. Therefore, it has been classified as a Variant of Uncertain Significance.

NM_001372.4(DNAH9):c.895G>T (p.Val299Phe)

Gene: DNAH9 (dynein axonemal heavy chain 9; plus strand). Cytogenetic location: 17p12.
Variant type: single nucleotide variant.
Coding change: c.895G>T on transcript NM_001372.4 (MANE Select); coding-DNA position 895, G replaced by T.
Protein change: p.Val299Phe; replaces valine 299 with phenylalanine.
Molecular consequence: missense variant.
Genome position (GRCh38, 1-based): chr17:11,611,771, G>T. VCF-style: chr17-11611771-G-T. GRCh37 (hg19) VCF-style: chr17-11515088-G-T.
Other names: short protein forms V299F.
Identifiers: ClinVar variation 2828881 (VCV002828881.3), dbSNP rs1179941724, ClinGen allele CA398163674.